The following is an entry in ClinVar:

ClinVar aggregate classification (germline): Uncertain significance (1 of 4 stars; one submission).

Allele frequency attached by ClinVar (database versions not stated): gnomAD exomes below 0.00001; TOPMed below 0.00001; ExAC 0.00001; gnomAD 0.00001.
gnomAD v4.1: 4 of 1,608,860 alleles (0.00025%); highest among the groups gnomAD compares: Non-Finnish European, 0.00034%; no homozygotes.

Submission:

Labcorp Genetics (formerly Invitae), Labcorp
Classification: Uncertain significance. Last evaluated: 2022-07-03. Review status: criteria provided, single submitter. Criteria: Invitae Variant Classification Sherloc (09022015). Collection method: clinical testing. Allele origin: germline.
Comment: In summary, the available evidence is currently insufficient to determine the role of this variant in disease. Therefore, it has been classified as a Variant of Uncertain Significance. Algorithms developed to predict the effect of missense changes on protein structure and function (SIFT, PolyPhen-2, Align-GVGD) all suggest that this variant is likely to be tolerated. This variant has not been reported in the literature in individuals affected with CARMIL2-related conditions. The frequency data for this variant in the population databases is considered unreliable, as metrics indicate poor data quality at this position in the gnomAD database. This sequence change replaces leucine, which is neutral and non-polar, with glutamine, which is neutral and polar, at codon 1407 of the CARMIL2 protein (p.Leu1407Gln).

NM_001013838.3(CARMIL2):c.4220T>A (p.Leu1407Gln)

Gene: CARMIL2 (capping protein regulator and myosin 1 linker 2; plus strand). Cytogenetic location: 16q22.1.
Variant type: single nucleotide variant.
Coding change: c.4220T>A on transcript NM_001013838.3 (MANE Select); coding-DNA position 4220, T replaced by A.
Protein change: p.Leu1407Gln; replaces leucine 1407 with glutamine.
Molecular consequence: missense variant.
Genome position (GRCh38, 1-based): chr16:67,657,430, T>A. VCF-style: chr16-67657430-T-A. GRCh37 (hg19) VCF-style: chr16-67691333-T-A.
Other names: c.4031T>A, p.Leu1344Gln (NM_001317026.3); short protein forms L1344Q, L1407Q.
Identifiers: ClinVar variation 2013483 (VCV002013483.2), dbSNP rs755922786, ClinGen allele CA8114303.